The following is an entry in ClinVar:

NM_001374504.1(TMPRSS6):c.1360C>T (p.Leu454Phe)

Gene: TMPRSS6 (transmembrane serine protease 6; minus strand). Cytogenetic location: 22q12.3.
Variant type: single nucleotide variant.
Coding change: c.1360C>T on transcript NM_001374504.1 (MANE Select); coding-DNA position 1360, C replaced by T.
Protein change: p.Leu454Phe; replaces leucine 454 with phenylalanine.
Molecular consequence: missense variant.
Genome position (GRCh38, 1-based): chr22:37,074,691, G>A on the plus strand (C>T on the coding strand, the complement: TMPRSS6 is on the minus strand). VCF-style: chr22-37074691-G-A. GRCh37 (hg19) VCF-style: chr22-37470731-G-A.
Other names: p.Leu463Phe; c.1360C>T, p.Leu454Phe (NM_001289000.2, NM_001289001.2, NM_153609.4); short protein forms L454F.
Identifiers: ClinVar variation 4542451 (VCV004542451.1).
Genomic context (GRCh38, chr22:37,074,691, plus strand): 5'-CGTTGGGGCAGTCCTTGACCCCATCACAGGCAGGGACACAGAGTCCATTCACAGAACAGA[G>A]GAACTCTCCAGGGCAGGCTGCAAAACCACAGGGGACCGTGGAGGCAGGCAGGGCGCCATT-3'
Protein context (NP_001361433.1, residues 444-464): NQSDPCPGEF[Leu454Phe]CSVNGLCVPA

ClinVar aggregate classification (germline): Uncertain significance (1 of 4 stars; one submission).

gnomAD v4.1: 1 of 1,614,086 alleles (0.000062%); highest among the groups gnomAD compares: African/African-American, 0.0013%; no homozygotes.

Submission:

Mayo Clinic Laboratories, Mayo Clinic
Classification: Uncertain significance. Last evaluated: 2025-04-08. Review status: criteria provided, single submitter. Criteria: ACMG Guidelines, 2015. Collection method: clinical testing. Allele origin: germline. Observed: 1 variant allele.
Comment: BP4, PM2_supporting